The following is an entry in ClinVar:

NM_005732.4(RAD50):c.814A>G (p.Ile272Val)

Gene: RAD50 (RAD50 double strand break repair protein; plus strand). Cytogenetic location: 5q31.1.
Variant type: single nucleotide variant.
Coding change: c.814A>G on transcript NM_005732.4 (MANE Select); coding-DNA position 814, A replaced by G.
Protein change: p.Ile272Val; replaces isoleucine 272 with valine.
Molecular consequence: missense variant.
Genome position (GRCh38, 1-based): chr5:132,587,619, A>G. VCF-style: chr5-132587619-A-G. GRCh37 (hg19) VCF-style: chr5-131923311-A-G.
Other names: short protein forms I272V.
Identifiers: ClinVar variation 1762181 (VCV001762181.7), dbSNP rs1383920217, ClinGen allele CA360940202.

ClinVar aggregate classification (germline): Uncertain significance. Review status: criteria provided, multiple submitters, no conflicts (2 of 4 stars). 2 submissions from 2 submitters: Uncertain significance (2). Last evaluated 2022-06-06.

Conditions:
Hereditary cancer-predisposing syndrome. Also called: Neoplastic Syndromes, Hereditary; Tumor predisposition; Hereditary Cancer Syndrome; Hereditary neoplastic syndrome. Identifiers: Orphanet 140162, MedGen C0027672, MeSH D009386, MONDO:0015356.

Allele frequency attached by ClinVar (database versions not stated): TOPMed below 0.00001; gnomAD 0.00001.
gnomAD v4.1: 1 of 1,613,686 alleles (0.000062%); highest among the groups gnomAD compares: Non-Finnish European, 0.000085%; no homozygotes.

Submissions (2):

Labcorp Genetics (formerly Invitae), Labcorp
Classification: Uncertain significance for Hereditary cancer-predisposing syndrome. Last evaluated: 2022-06-06. Review status: criteria provided, single submitter. Criteria: Invitae Variant Classification Sherloc (09022015). Collection method: clinical testing. Allele origin: germline.
Comment: This variant has not been reported in the literature in individuals affected with RAD50-related conditions. In summary, the available evidence is currently insufficient to determine the role of this variant in disease. Therefore, it has been classified as a Variant of Uncertain Significance. Algorithms developed to predict the effect of missense changes on protein structure and function (SIFT, PolyPhen-2, Align-GVGD) all suggest that this variant is likely to be tolerated. This sequence change replaces isoleucine, which is neutral and non-polar, with valine, which is neutral and non-polar, at codon 272 of the RAD50 protein (p.Ile272Val). This variant is not present in population databases (gnomAD no frequency).

Ambry Genetics
Classification: Uncertain significance for Hereditary cancer-predisposing syndrome. Last evaluated: 2021-09-29. Review status: criteria provided, single submitter. Criteria: Ambry Variant Classification Scheme 2023. Collection method: clinical testing. Allele origin: germline.
Comment: The p.I272V variant (also known as c.814A>G), located in coding exon 6 of the RAD50 gene, results from an A to G substitution at nucleotide position 814. The isoleucine at codon 272 is replaced by valine, an amino acid with highly similar properties. This amino acid position is conserved. In addition, this alteration is predicted to be tolerated by in silico analysis. Since supporting evidence is limited at this time, the clinical significance of this alteration remains unclear.